The following is an entry in ClinVar:

NM_000478.6(ALPL):c.81G>C (p.Lys27Asn)

Gene: ALPL (alkaline phosphatase, biomineralization associated; plus strand). Cytogenetic location: 1p36.12.
Variant type: single nucleotide variant.
Coding change: c.81G>C on transcript NM_000478.6 (MANE Select); coding-DNA position 81, G replaced by C.
Protein change: p.Lys27Asn; replaces lysine 27 with asparagine.
Molecular consequence: missense variant. On other transcripts: 5 prime UTR variant (2).
Genome position (GRCh38, 1-based): chr1:21,560,645, G>C. VCF-style: chr1-21560645-G-C. GRCh37 (hg19) VCF-style: chr1-21887138-G-C.
Other names: c.-85G>C (NM_001127501.4); c.-35G>C (NM_001177520.3); c.81G>C, p.Lys27Asn (NM_001369803.2, NM_001369804.2, NM_001369805.2); short protein forms K27N.
Identifiers: ClinVar variation 4810466 (VCV004810466.1).

ClinVar aggregate classification (germline): Uncertain significance (1 of 4 stars; one submission).

gnomAD v4.1: 3 of 1,614,038 alleles (0.00019%); highest among the groups gnomAD compares: African/African-American, 0.004%; no homozygotes.

Submission:

Labcorp Genetics (formerly Invitae), Labcorp
Classification: Uncertain significance. Last evaluated: 2025-10-06. Review status: criteria provided, single submitter. Criteria: Invitae Variant Classification Sherloc (09022015). Collection method: clinical testing. Allele origin: germline.
Comment: This sequence change replaces lysine, which is basic and polar, with asparagine, which is neutral and polar, at codon 27 of the ALPL protein (p.Lys27Asn). This variant is not present in population databases (gnomAD no frequency). This variant has not been reported in the literature in individuals affected with ALPL-related conditions. Invitae Evidence Modeling of protein sequence and biophysical properties (such as structural, functional, and spatial information, amino acid conservation, physicochemical variation, residue mobility, and thermodynamic stability) indicates that this missense variant is not expected to disrupt ALPL protein function with a negative predictive value of 95%. In summary, the available evidence is currently insufficient to determine the role of this variant in disease. Therefore, it has been classified as a Variant of Uncertain Significance.